The following is an entry in ClinVar:

NM_001127208.3(TET2):c.4960C>T (p.Gln1654Ter)

Genes: TET2 (tet methylcytosine dioxygenase 2; plus strand), TET2-AS1 (TET2 antisense RNA 1; minus strand). Cytogenetic location: 4q24.
Variant type: single nucleotide variant.
Coding change: c.4960C>T on transcript NM_001127208.3 (MANE Select); coding-DNA position 4960, C replaced by T.
Protein change: p.Gln1654Ter; replaces glutamine 1654 with a stop codon.
Molecular consequence: nonsense.
Genome position (GRCh38, 1-based): chr4:105,275,470, C>T. VCF-style: chr4-105275470-C-T. GRCh37 (hg19) VCF-style: chr4-106196627-C-T.
Other names: short protein forms Q1654*.
Identifiers: ClinVar variation 4772077 (VCV004772077.1).
Genomic context (GRCh38, chr4:105,275,470, plus strand): 5'-AATGGAAACCTATCAGTGGACAACTGCTCCCCATATCTGGGTTCCTATTCTCCCCAGTCT[C>T]AGCCGATGGATCTGTATAGGTATCCAAGCCAAGACCCTCTGTCTAAGCTCAGTCTACCAC-3'

ClinVar aggregate classification (germline): Uncertain significance (1 of 4 stars; one submission).

Submission:

Labcorp Genetics (formerly Invitae), Labcorp
Classification: Uncertain significance. Last evaluated: 2025-12-15. Review status: criteria provided, single submitter. Criteria: Invitae Variant Classification Sherloc (09022015). Collection method: clinical testing. Allele origin: germline.
Comment: This sequence change creates a premature translational stop signal (p.Gln1654*) in the TET2 gene. While this is not anticipated to result in nonsense mediated decay, it is expected to disrupt the last 349 amino acid(s) of the TET2 protein. This variant is not present in population databases (gnomAD no frequency). This variant has not been reported in the literature in individuals affected with TET2-related conditions. Experimental studies and prediction algorithms are not available or were not evaluated, and the functional significance of this variant is currently unknown. In summary, the available evidence is currently insufficient to determine the role of this variant in disease. Therefore, it has been classified as a Variant of Uncertain Significance.